The following is an entry in ClinVar:

NM_000455.5(STK11):c.1114G>A (p.Val372Ile)

Gene: STK11 (serine/threonine kinase 11; plus strand). Cytogenetic location: 19p13.3.
Variant type: single nucleotide variant.
Coding change: c.1114G>A on transcript NM_000455.5 (MANE Select); coding-DNA position 1114, G replaced by A.
Protein change: p.Val372Ile; replaces valine 372 with isoleucine.
Molecular consequence: missense variant.
Genome position (GRCh38, 1-based): chr19:1,226,459, G>A. VCF-style: chr19-1226459-G-A. GRCh37 (hg19) VCF-style: chr19-1226458-G-A.
Other names: short protein forms V372I.
Identifiers: ClinVar variation 941900 (VCV000941900.11), dbSNP rs2080821529, ClinGen allele CA402953124.

ClinVar aggregate classification (germline): Uncertain significance. Review status: criteria provided, multiple submitters, no conflicts (2 of 4 stars). 3 submissions from 3 submitters: Uncertain significance (3). Last evaluated 2025-03-09.

Conditions:
Hereditary cancer-predisposing syndrome. Also called: Tumor predisposition; Hereditary neoplastic syndrome; Neoplastic Syndromes, Hereditary; Hereditary Cancer Syndrome. Identifiers: Orphanet 140162, MedGen C0027672, MeSH D009386, MONDO:0015356.
Melanoma, cutaneous malignant, susceptibility to, 1 (CMM1). Also called: MELANOMA, MALIGNANT; DYSPLASTIC NEVUS SYNDROME, HEREDITARY; FAMILIAL ATYPICAL MOLE-MALIGNANT MELANOMA SYNDROME; B-K MOLE SYNDROME. Identifiers: Orphanet 618, MedGen C1835047, MONDO:0007963, OMIM 155600.
Peutz-Jeghers syndrome (PJS). Also called: POLYPOSIS, HAMARTOMATOUS INTESTINAL; POLYPS-AND-SPOTS SYNDROME; Peutz-Jeghers polyposis; Periorificial lentiginosis syndrome. Identifiers: Orphanet 2869, MedGen C0031269, MeSH D010580, MONDO:0008280, OMIM 175200.

Allele frequency attached by ClinVar (database versions not stated): gnomAD exomes below 0.00001; gnomAD 0.00001.
gnomAD v4.1: 5 of 1,610,586 alleles (0.00031%); highest among the groups gnomAD compares: African/African-American, 0.0013%; no homozygotes.

Submissions (3):

Labcorp Genetics (formerly Invitae), Labcorp
Classification: Uncertain significance for Peutz-Jeghers syndrome. Last evaluated: 2025-03-09. Review status: criteria provided, single submitter. Criteria: Invitae Variant Classification Sherloc (09022015). Collection method: clinical testing. Allele origin: germline.
Comment: This sequence change replaces valine, which is neutral and non-polar, with isoleucine, which is neutral and non-polar, at codon 372 of the STK11 protein (p.Val372Ile). This variant is not present in population databases (gnomAD no frequency). This variant has not been reported in the literature in individuals affected with STK11-related conditions. ClinVar contains an entry for this variant (Variation ID: 941900). Invitae Evidence Modeling of protein sequence and biophysical properties (such as structural, functional, and spatial information, amino acid conservation, physicochemical variation, residue mobility, and thermodynamic stability) indicates that this missense variant is not expected to disrupt STK11 protein function with a negative predictive value of 95%. In summary, the available evidence is currently insufficient to determine the role of this variant in disease. Therefore, it has been classified as a Variant of Uncertain Significance.

Ambry Genetics
Classification: Uncertain significance for Hereditary cancer-predisposing syndrome. Last evaluated: 2023-12-07. Review status: criteria provided, single submitter. Criteria: Ambry Variant Classification Scheme 2023. Collection method: clinical testing. Allele origin: germline.
Comment: The p.V372I variant (also known as c.1114G>A), located in coding exon 9 of the STK11 gene, results from a G to A substitution at nucleotide position 1114. The valine at codon 372 is replaced by isoleucine, an amino acid with highly similar properties. This amino acid position is conserved. In addition, this alteration is predicted to be tolerated by in silico analysis. Since supporting evidence is limited at this time, the clinical significance of this alteration remains unclear.

Baylor Genetics
Classification: Uncertain significance for Melanoma, cutaneous malignant, susceptibility to, 1. Last evaluated: 2023-09-11. Review status: criteria provided, single submitter. Criteria: ACMG Guidelines, 2015. Collection method: clinical testing. Allele origin: unknown.